The following is an entry in ClinVar:

NM_201548.5(CERKL):c.2T>A (p.Met1Lys)

Genes: CERKL (CERK like autophagy regulator; minus strand), LOC129935215 (ATAC-STARR-seq lymphoblastoid silent region 12158; plus strand). Cytogenetic location: 2q31.3.
Variant type: single nucleotide variant.
Coding change: c.2T>A on transcript NM_201548.5 (MANE Select); coding-DNA position 2, T replaced by A.
Protein change: p.Met1Lys; changes the start codon (methionine 1).
Molecular consequence: missense variant, initiator codon variant. On other transcripts: non-coding transcript variant (2).
Genome position (GRCh38, 1-based): chr2:181,657,005, A>T on the plus strand (T>A on the coding strand, the complement: CERKL is on the minus strand). VCF-style: chr2-181657005-A-T. GRCh37 (hg19) VCF-style: chr2-182521732-A-T.
Other names: c.2T>A, p.Met1Lys (NM_001030311.3, NM_001030312.3, NM_001030313.3 and 3 more transcripts); short protein forms M1K.
Identifiers: ClinVar variation 1968537 (VCV001968537.6), dbSNP rs1187991259, ClinGen allele CA349746042.

ClinVar aggregate classification (germline): Pathogenic (1 of 4 stars; one submission).

Submission:

Labcorp Genetics (formerly Invitae), Labcorp
Classification: Pathogenic. Last evaluated: 2023-03-07. Review status: criteria provided, single submitter. Criteria: Invitae Variant Classification Sherloc (09022015). Collection method: clinical testing. Allele origin: germline.
Comment: For these reasons, this variant has been classified as Pathogenic. This variant disrupts a region of the CERKL protein in which other variant(s) (p.Cys125Trp) have been determined to be pathogenic (PMID: 20554613, 24498393, 29068140). This suggests that this is a clinically significant region of the protein, and that variants that disrupt it are likely to be disease-causing. ClinVar contains an entry for this variant (Variation ID: 1968537). Disruption of the initiator codon has been observed in individual(s) with CERKL-related conditions (Invitae). In at least one individual the data is consistent with being in trans (on the opposite chromosome) from a pathogenic variant. This variant is not present in population databases (gnomAD no frequency). This sequence change affects the initiator methionine of the CERKL mRNA. The next in-frame methionine is located at codon 206.

Literature cited by the submitters: PubMed 20554613; PubMed 24498393; PubMed 29068140.